The following is an entry in ClinVar:

ClinVar aggregate classification (germline): Uncertain significance. Review status: criteria provided, multiple submitters, no conflicts (2 of 4 stars). 2 submissions from 2 submitters: Uncertain significance (2). Last evaluated 2023-07-27.

Conditions:
Long QT syndrome (LQTS). Identifiers: MedGen C0023976, MeSH D008133, MONDO:0002442. Disease mechanism: loss of function. Inheritance: Various modes of inheritance.
Cardiovascular phenotype. Identifiers: MedGen CN230736.

Allele frequency attached by ClinVar (database versions not stated): gnomAD exomes 0.00002 and 0.00008; gnomAD 0.00003 and 0.00004; TOPMed 0.00004; ExAC 0.00005.
gnomAD v4.1: 43 of 1,614,076 alleles (0.0027%); highest among the groups gnomAD compares: Non-Finnish European, 0.00034%; no homozygotes.

Submissions (2):

Labcorp Genetics (formerly Invitae), Labcorp
Classification: Uncertain significance for Long QT syndrome. Last evaluated: 2023-07-27. Review status: criteria provided, single submitter. Criteria: Invitae Variant Classification Sherloc (09022015). Collection method: clinical testing. Allele origin: germline.
Comment: This sequence change replaces isoleucine, which is neutral and non-polar, with threonine, which is neutral and polar, at codon 3647 of the AKAP9 protein (p.Ile3647Thr). This variant is present in population databases (rs756215009, gnomAD 0.2%), and has an allele count higher than expected for a pathogenic variant. This variant has not been reported in the literature in individuals affected with AKAP9-related conditions. ClinVar contains an entry for this variant (Variation ID: 1484083). An algorithm developed to predict the effect of missense changes on protein structure and function (PolyPhen-2) suggests that this variant is likely to be disruptive. In summary, the available evidence is currently insufficient to determine the role of this variant in disease. Therefore, it has been classified as a Variant of Uncertain Significance.

Ambry Genetics
Classification: Uncertain significance for Cardiovascular phenotype. Last evaluated: 2022-10-28. Review status: criteria provided, single submitter. Criteria: Ambry Variant Classification Scheme 2023. Collection method: clinical testing. Allele origin: germline.
Comment: The p.I3647T variant (also known as c.10940T>C), located in coding exon 45 of the AKAP9 gene, results from a T to C substitution at nucleotide position 10940. The isoleucine at codon 3647 is replaced by threonine, an amino acid with similar properties. This amino acid position is not well conserved in available vertebrate species. In addition, this alteration is predicted to be tolerated by in silico analysis. The evidence for this gene-disease relationship is limited; therefore, the clinical significance of this alteration is unclear.

NM_005751.5(AKAP9):c.10940T>C (p.Ile3647Thr)

Gene: AKAP9 (A-kinase anchoring protein 9; plus strand). Cytogenetic location: 7q21.2.
Variant type: single nucleotide variant.
Coding change: c.10940T>C on transcript NM_005751.5 (MANE Select); coding-DNA position 10940, T replaced by C.
Protein change: p.Ile3647Thr; replaces isoleucine 3647 with threonine.
Molecular consequence: missense variant.
Genome position (GRCh38, 1-based): chr7:92,100,899, T>C. VCF-style: chr7-92100899-T-C. GRCh37 (hg19) VCF-style: chr7-91730213-T-C.
Other names: c.5585T>C, p.Ile1862Thr (NM_001379277.1); c.10916T>C, p.Ile3639Thr (NM_147185.3); short protein forms I1862T, I3647T, I3639T.
Identifiers: ClinVar variation 1484083 (VCV001484083.8), dbSNP rs756215009, ClinGen allele CA4338063.
Genomic context (GRCh38, chr7:92,100,899, plus strand): 5'-GGCTGTGGTCTTTGCAGTCTTCCAGGTTTTCATTGAATGGTGGTGCCAACATTGAAGCCA[T>C]CATTGCCTCTGAAAAAGAAGTATGGAACAGAGAAAAATTGACTCTCCAGAAATCTTTGAA-3'
Protein context (NP_005742.4, residues 3637-3657): SLNGGANIEA[Ile3647Thr]IASEKEVWNR